The following is an entry in ClinVar:

NM_000260.4(MYO7A):c.133-14C>T

Gene: MYO7A (myosin VIIA; plus strand). Cytogenetic location: 11q13.5.
Variant type: single nucleotide variant.
Coding change: c.133-14C>T on transcript NM_000260.4 (MANE Select); 14 bases into the intron before coding-DNA position 133, C replaced by T.
Molecular consequence: intron variant.
Genome position (GRCh38, 1-based): chr11:77,147,784, C>T. VCF-style: chr11-77147784-C-T. GRCh37 (hg19) VCF-style: chr11-76858830-C-T.
Other names: c.100-14C>T (NM_001369365.1); c.133-14C>T (NM_001127180.2).
Identifiers: ClinVar variation 178476 (VCV000178476.19), dbSNP rs116228809, ClinGen allele CA182405.

ClinVar aggregate classification (germline): Conflicting classifications of pathogenicity. Review status: criteria provided, conflicting classifications (1 of 4 stars). 7 submissions from 5 submitters: Uncertain significance (1); Benign (4); Likely benign (2). Last evaluated 2026-02-01.

Conditions:
Usher syndrome type 1 (USH1). Also called: RETINITIS PIGMENTOSA AND CONGENITAL DEAFNESS. Identifiers: Orphanet 231169, Orphanet 886, MedGen C1568247, MONDO:0010168, OMIM 276900.
Autosomal dominant nonsyndromic hearing loss 11. Identifiers: Orphanet 90635, MedGen C1832475, MONDO:0011032, OMIM 601317.
Autosomal recessive nonsyndromic hearing loss 2. Also called: DEAFNESS, AUTOSOMAL RECESSIVE 2; NEUROSENSORY NONSYNDROMIC RECESSIVE DEAFNESS 2. Identifiers: Orphanet 90636, MedGen C1838701, MONDO:0010807, OMIM 600060.

Allele frequency attached by ClinVar (database versions not stated): gnomAD exomes 0.00066 and 0.00165; ExAC 0.00249; gnomAD 0.00668 and 0.00719; ESP Exome Variant Server 0.00683; TOPMed 0.00750; 1000 Genomes Project 0.00819; 1000 Genomes Project 30x 0.00890.
gnomAD v4.1: 2,008 of 1,608,070 alleles (0.12%); highest among the groups gnomAD compares: African/African-American, 2.4%; 33 homozygotes.

Submissions (7):

Labcorp Genetics (formerly Invitae), Labcorp
Classification: Benign. Last evaluated: 2026-02-01. Review status: criteria provided, single submitter. Criteria: Invitae Variant Classification Sherloc (09022015). Collection method: clinical testing. Allele origin: germline.

ARUP Laboratories, Molecular Genetics and Genomics, ARUP Laboratories
Classification: Benign. Last evaluated: 2022-07-15. Review status: criteria provided, single submitter. Criteria: ARUP Molecular Germline Variant Investigation Process 2021. Collection method: clinical testing. Allele origin: germline.

GeneDx
Classification: Likely benign. Last evaluated: 2018-07-10. Review status: criteria provided, single submitter. Criteria: GeneDx Variant Classification Process June 2021. Collection method: clinical testing. Allele origin: germline. Affected: yes.

Illumina Laboratory Services, Illumina
Classification: Benign for Autosomal dominant nonsyndromic hearing loss 11. Last evaluated: 2018-01-12. Review status: criteria provided, single submitter. Criteria: ICSL Variant Classification Criteria 13 December 2019. Collection method: clinical testing. Allele origin: germline.
Comment: This variant was observed in the ICSL laboratory as part of a predisposition screen in an ostensibly healthy population. It had not been previously curated by ICSL or reported in the Human Gene Mutation Database (HGMD: prior to June 1st, 2018), and was therefore a candidate for classification through an automated scoring system. Utilizing variant allele frequency, disease prevalence and penetrance estimates, and inheritance mode, an automated score was calculated to assess if this variant is too frequent to cause the disease. Based on the score and internal cut-off values, a variant classified as benign is not then subjected to further curation. The score for this variant resulted in a classification of benign for this disease.

Illumina Laboratory Services, Illumina
Classification: Likely benign for Usher syndrome type 1. Last evaluated: 2018-01-12. Review status: criteria provided, single submitter. Criteria: ICSL Variant Classification Criteria 13 December 2019. Collection method: clinical testing. Allele origin: germline.
Comment: This variant was observed in the ICSL laboratory as part of a predisposition screen in an ostensibly healthy population. It had not been previously curated by ICSL or reported in the Human Gene Mutation Database (HGMD: prior to June 1st, 2018), and was therefore a candidate for classification through an automated scoring system. Utilizing variant allele frequency, disease prevalence and penetrance estimates, and inheritance mode, an automated score was calculated to assess if this variant is too frequent to cause the disease. Based on the score and internal cut-off values, a variant classified as likely benign is not then subjected to further curation. The score for this variant resulted in a classification of likely benign for this disease.

Illumina Laboratory Services, Illumina
Classification: Uncertain significance for Autosomal recessive nonsyndromic hearing loss 2. Last evaluated: 2018-01-12. Review status: criteria provided, single submitter. Criteria: ICSL Variant Classification Criteria 13 December 2019. Collection method: clinical testing. Allele origin: germline.

Laboratory for Molecular Medicine, Mass General Brigham Personalized Medicine
Classification: Benign. Last evaluated: 2012-04-30. Review status: criteria provided, single submitter. Criteria: LMM Criteria. Collection method: clinical testing. Allele origin: germline. Observed: 5 variant alleles.
Comment: 133-14C>T in Intron 03 of MYO7A: This variant is not expected to have clinical s ignificance because it has been identified in 2.0% (74/3610) of African American chromosomes from a broad population by the NHLBI Exome Sequencing Project (dbSNP rs116228809).